The following is an entry in ClinVar:

ClinVar aggregate classification (germline): Uncertain significance. Review status: criteria provided, multiple submitters, no conflicts (2 of 4 stars). 2 submissions from 2 submitters: Uncertain significance (2). Last evaluated 2024-02-26.

Conditions:
Hereditary spastic paraplegia 64. Also called: Spastic paraplegia 64, autosomal recessive; ENTPD1-Related Neurodevelopmental Disorder. Identifiers: Orphanet 401810, MedGen C3810289, MONDO:0014303, OMIM 615683.
Inborn genetic diseases. Identifiers: MedGen C0950123, MeSH D030342.

Allele frequency attached by ClinVar (database versions not stated): gnomAD exomes 0.00001; ExAC 0.00002; gnomAD 0.00004; TOPMed 0.00005; ESP Exome Variant Server 0.00015.
gnomAD v4.1: 11 of 1,613,926 alleles (0.00068%); highest among the groups gnomAD compares: African/African-American, 0.012%; no homozygotes.

Submissions (2):

Ambry Genetics
Classification: Uncertain significance for Inborn genetic diseases. Last evaluated: 2024-02-26. Review status: criteria provided, single submitter. Criteria: Ambry Variant Classification Scheme 2023. Collection method: clinical testing. Allele origin: germline.

Labcorp Genetics (formerly Invitae), Labcorp
Classification: Uncertain significance for Hereditary spastic paraplegia 64. Last evaluated: 2024-02-24. Review status: criteria provided, single submitter. Criteria: Invitae Variant Classification Sherloc (09022015). Collection method: clinical testing. Allele origin: germline.
Comment: This sequence change replaces lysine, which is basic and polar, with glutamic acid, which is acidic and polar, at codon 87 of the ENTPD1 protein (p.Lys87Glu). This variant is present in population databases (rs146324431, gnomAD 0.02%). This variant has not been reported in the literature in individuals affected with ENTPD1-related conditions. ClinVar contains an entry for this variant (Variation ID: 2043259). Advanced modeling of protein sequence and biophysical properties (such as structural, functional, and spatial information, amino acid conservation, physicochemical variation, residue mobility, and thermodynamic stability) performed at Invitae indicates that this missense variant is not expected to disrupt ENTPD1 protein function with a negative predictive value of 80%. In summary, the available evidence is currently insufficient to determine the role of this variant in disease. Therefore, it has been classified as a Variant of Uncertain Significance.

NM_001776.6(ENTPD1):c.259A>G (p.Lys87Glu)

Genes: ENTPD1-AS1 (ENTPD1 antisense RNA 1; minus strand), ENTPD1 (ectonucleoside triphosphate diphosphohydrolase 1; plus strand). Cytogenetic location: 10q24.1.
Variant type: single nucleotide variant.
Coding change: c.259A>G on transcript NM_001776.6 (MANE Select); coding-DNA position 259, A replaced by G.
Protein change: p.Lys87Glu; replaces lysine 87 with glutamic acid.
Molecular consequence: missense variant. On other transcripts: 5 prime UTR variant (3), intron variant (1).
Genome position (GRCh38, 1-based): chr10:95,839,805, A>G. VCF-style: chr10-95839805-A-G. GRCh37 (hg19) VCF-style: chr10-97599562-A-G.
Other names: c.280A>G, p.Lys94Glu (NM_001098175.2); c.295A>G, p.Lys99Glu (NM_001164178.1, NM_001320916.1); c.259A>G, p.Lys87Glu (NM_001164179.2); c.-66A>G (NM_001164181.1, NM_001312654.1); c.-5A>G (NM_001164182.2); c.-1-4671A>G (NM_001164183.2); short protein forms K87E, K94E, K99E.
Identifiers: ClinVar variation 2043259 (VCV002043259.5), dbSNP rs146324431, ClinGen allele CA5621354.